The following is an entry in ClinVar:

ClinVar aggregate classification (germline): Uncertain significance (1 of 4 stars; one submission).

Submission:

Labcorp Genetics (formerly Invitae), Labcorp
Classification: Uncertain significance. Last evaluated: 2023-09-26. Review status: criteria provided, single submitter. Criteria: Invitae Variant Classification Sherloc (09022015). Collection method: clinical testing. Allele origin: germline.
Comment: This sequence change replaces serine, which is neutral and polar, with threonine, which is neutral and polar, at codon 184 of the PLEKHM2 protein (p.Ser184Thr). In summary, the available evidence is currently insufficient to determine the role of this variant in disease. Therefore, it has been classified as a Variant of Uncertain Significance. An algorithm developed to predict the effect of missense changes on protein structure and function (PolyPhen-2) suggests that this variant is likely to be disruptive. This variant has not been reported in the literature in individuals affected with PLEKHM2-related conditions. This variant is not present in population databases (gnomAD no frequency).

NM_015164.4(PLEKHM2):c.551G>C (p.Ser184Thr)

Gene: PLEKHM2 (pleckstrin homology and RUN domain containing M2; plus strand). Cytogenetic location: 1p36.21.
Variant type: single nucleotide variant.
Coding change: c.551G>C on transcript NM_015164.4 (MANE Select); coding-DNA position 551, G replaced by C.
Protein change: p.Ser184Thr; replaces serine 184 with threonine.
Molecular consequence: missense variant.
Genome position (GRCh38, 1-based): chr1:15,719,819, G>C. VCF-style: chr1-15719819-G-C. GRCh37 (hg19) VCF-style: chr1-16046314-G-C.
Other names: c.551G>C, p.Ser184Thr (NM_001410755.1); short protein forms S184T.
Identifiers: ClinVar variation 2874329 (VCV002874329.3), dbSNP rs1023656288, ClinGen allele CA18292633.